The following is an entry in ClinVar:

ClinVar aggregate classification (germline): Uncertain significance (1 of 4 stars; one submission).

gnomAD v4.1: 1 of 1,614,070 alleles (0.000062%); highest among the groups gnomAD compares: Non-Finnish European, 0.000085%; no homozygotes.

Submission:

GeneDx
Classification: Uncertain significance. Last evaluated: 2024-03-06. Review status: criteria provided, single submitter. Criteria: GeneDx Variant Classification Process June 2021. Collection method: clinical testing. Allele origin: germline. Affected: yes.
Comment: Not observed at significant frequency in large population cohorts (gnomAD); In silico analysis supports that this missense variant does not alter protein structure/function; Has not been previously published as pathogenic or benign to our knowledge

NM_018489.3(ASH1L):c.5434A>G (p.Asn1812Asp)

Gene: ASH1L (ASH1 like histone lysine methyltransferase; minus strand). Cytogenetic location: 1q22.
Variant type: single nucleotide variant.
Coding change: c.5434A>G on transcript NM_018489.3 (MANE Select); coding-DNA position 5434, A replaced by G.
Protein change: p.Asn1812Asp; replaces asparagine 1812 with aspartic acid.
Molecular consequence: missense variant.
Genome position (GRCh38, 1-based): chr1:155,438,721, T>C on the plus strand (A>G on the coding strand, the complement: ASH1L is on the minus strand). VCF-style: chr1-155438721-T-C. GRCh37 (hg19) VCF-style: chr1-155408512-T-C.
Other names: c.5434A>G, p.Asn1812Asp (NM_001366177.2); short protein forms N1812D.
Identifiers: ClinVar variation 3360610 (VCV003360610.1).